The following is an entry in ClinVar:

NM_004628.5(XPC):c.1508del (p.Ser503fs)

Gene: XPC (XPC complex subunit, DNA damage recognition and repair factor; minus strand). Cytogenetic location: 3p25.1.
Variant type: Deletion.
Coding change: c.1508del on transcript NM_004628.5 (MANE Select); coding-DNA position 1508, one base deleted (G; older notation c.1508delG).
Protein change: p.Ser503fs; shifts the reading frame from serine 503.
Molecular consequence: frameshift variant. On other transcripts: non-coding transcript variant (2).
Genome position (GRCh38, 1-based): chr3:14,158,375, C deleted on the plus strand (G on the coding strand, the reverse complement: XPC is on the minus strand). VCF-style (leftmost placement, unchanged base first): chr3-14158374-GC-G. GRCh37 (hg19) VCF-style: chr3-14199874-GC-G.
Other names: c.929del, p.Ser310fs (NM_001354726.2); c.1508del, p.Ser503fs (NM_001354727.2, NM_001354730.2); c.1490del, p.Ser497fs (NM_001354729.2); short protein forms S503fs, S497fs, S310fs.
Identifiers: ClinVar variation 5004211 (VCV005004211.1).

ClinVar aggregate classification (germline): Pathogenic (1 of 4 stars; one submission).

Conditions:
Xeroderma pigmentosum, group C (XPC). Also called: Xeroderma pigmentosum, complementation group C; XERODERMA PIGMENTOSUM III; XP, GROUP C; XPC-Related Xeroderma Pigmentosum. Identifiers: Orphanet 910, MedGen C2752147, MONDO:0010211, OMIM 278720.

Submission:

Myriad Genetics, Inc.
Classification: Pathogenic for Xeroderma pigmentosum, group C. Last evaluated: 2025-10-07. Review status: criteria provided, single submitter. Criteria: Myriad Autosomal Dominant, Autosomal Recessive and X-Linked Classification Criteria (2023). Collection method: clinical testing. Allele origin: unknown.
Comment: NM_004628.4(XPC):c.1508delG(S503Tfs*23) is a frameshift variant classified as pathogenic in the context of xeroderma pigmentosum group C. S503Tfs*23 has not been observed in cases with relevant disease. Relevant functional assessments of this variant are not available in the literature. S503Tfs*23 has not been observed in referenced population frequency databases. In summary, NM_004628.4(XPC):c.1508delG(S503Tfs*23) is a frameshift variant in a gene where loss of function is a known mechanism of disease and is predicted to disrupt protein function. Please note: this variant was assessed in the context of healthy population screening.